The following is an entry in ClinVar:

NM_006393.3(NEBL):c.863T>C (p.Phe288Ser)

Gene: NEBL (nebulette; minus strand). Cytogenetic location: 10p12.31.
Variant type: single nucleotide variant.
Coding change: c.863T>C on transcript NM_006393.3 (MANE Select); coding-DNA position 863, T replaced by C.
Protein change: p.Phe288Ser; replaces phenylalanine 288 with serine.
Molecular consequence: missense variant. On other transcripts: intron variant (9).
Genome position (GRCh38, 1-based): chr10:20,858,280, A>G on the plus strand (T>C on the coding strand, the complement: NEBL is on the minus strand). VCF-style: chr10-20858280-A-G. GRCh37 (hg19) VCF-style: chr10-21147209-A-G.
Other names: c.250-45340T>C (NM_001377326.1, NM_001377327.1, NM_001377328.1); c.358-45340T>C (NM_213569.2, NM_001173484.2, NM_001377322.1); c.301-45340T>C (NM_001377324.1); c.292-45340T>C (NM_001377325.1); c.310-45340T>C (NM_001377323.1); short protein forms F288S.
Identifiers: ClinVar variation 2861276 (VCV002861276.3), dbSNP rs2492052293, ClinGen allele CA376101647.

ClinVar aggregate classification (germline): Uncertain significance (1 of 4 stars; one submission).

Conditions:
Primary dilated cardiomyopathy (DCM). Also called: Dilated Cardiomyopathy. Identifiers: Orphanet 217604, MedGen C0007193, MeSH D002311, MONDO:0005021, HP:0001644. Inheritance: Various modes of inheritance.

Allele frequency attached by ClinVar (database versions not stated): gnomAD exomes below 0.00001.
gnomAD v4.1: 2 of 1,612,230 alleles (0.00012%); highest among the groups gnomAD compares: Non-Finnish European, 0.000085%; no homozygotes.

Submission:

Labcorp Genetics (formerly Invitae), Labcorp
Classification: Uncertain significance for Primary dilated cardiomyopathy. Last evaluated: 2024-12-03. Review status: criteria provided, single submitter. Criteria: Invitae Variant Classification Sherloc (09022015). Collection method: clinical testing. Allele origin: germline.
Comment: This sequence change replaces phenylalanine, which is neutral and non-polar, with serine, which is neutral and polar, at codon 288 of the NEBL protein (p.Phe288Ser). This variant is not present in population databases (gnomAD no frequency). This variant has not been reported in the literature in individuals affected with NEBL-related conditions. ClinVar contains an entry for this variant (Variation ID: 2861276). An algorithm developed to predict the effect of missense changes on protein structure and function (PolyPhen-2) suggests that this variant is likely to be tolerated. In summary, the available evidence is currently insufficient to determine the role of this variant in disease. Therefore, it has been classified as a Variant of Uncertain Significance.